The following is an entry in ClinVar:

NM_001008216.2(GALE):c.873+9C>T

Gene: GALE (UDP-galactose-4-epimerase; minus strand). Cytogenetic location: 1p36.11.
Variant type: single nucleotide variant.
Coding change: c.873+9C>T on transcript NM_001008216.2 (MANE Select); 9 bases into the intron after coding-DNA position 873, C replaced by T.
Molecular consequence: intron variant.
Genome position (GRCh38, 1-based): chr1:23,796,500, G>A on the plus strand (C>T on the coding strand, the complement: GALE is on the minus strand). VCF-style: chr1-23796500-G-A. GRCh37 (hg19) VCF-style: chr1-24122990-G-A.
Other names: c.873+9C>T (NM_000403.4, NM_001127621.2, NM_000403.3).
Identifiers: ClinVar variation 3704625 (VCV003704625.3).
Genomic context (GRCh38, chr1:23,796,500, plus strand): 5'-CAAAGCTGCTCTGTTGCTGAGAGCTGGGTGGGGTGAGGTGGGTGAGGTGGGTGGGGCGGG[G>A]GGGCCTACCTTCTTCCCAGAGGCCTTCTCCATAGCCTGGACCATCTGCAGCACTGAATAG-3'

ClinVar aggregate classification (germline): Likely benign. Review status: criteria provided, multiple submitters, no conflicts (2 of 4 stars). 2 submissions from 2 submitters: Likely benign (2). Last evaluated 2026-09-22.

Conditions:
GALE-related disorder. Also called: GALE-related condition.
UDPglucose-4-epimerase deficiency. Also called: UDPglucose 4-Epimerase Deficiency Disease; Epimerase Deficiency Galactosemia; GALACTOSEMIA III; GALE DEFICIENCY; UDP-GALACTOSE-4-EPIMERASE DEFICIENCY; Galactose epimerase deficiency. Identifiers: Orphanet 352, Orphanet 79238, MedGen C0751161, MONDO:0009257, OMIM 230350.

Submissions (2):

PreventionGenetics, part of Exact Sciences
Classification: Likely benign for GALE-related condition. Last evaluated: 2026-09-22. Review status: criteria provided, single submitter. Criteria: ACMG Guidelines, 2015. Collection method: clinical testing. Allele origin: germline.
Comment: This variant is classified as likely benign based on ACMG/AMP sequence variant interpretation guidelines (Richards et al. 2015 PMID: 25741868, with internal and published modifications).

Labcorp Genetics (formerly Invitae), Labcorp
Classification: Likely benign for UDPglucose-4-epimerase deficiency. Last evaluated: 2024-10-21. Review status: criteria provided, single submitter. Criteria: Invitae Variant Classification Sherloc (09022015). Collection method: clinical testing. Allele origin: germline.